The following is an entry in ClinVar:

ClinVar aggregate classification (germline): Uncertain significance (1 of 4 stars; one submission).

Conditions:
Neuroblastoma, susceptibility to, 3. Also called: ALK-Related Neuroblastic Tumor Susceptibility. Identifiers: Orphanet 635, MedGen C2751681, MONDO:0013083, OMIM 613014.

Submission:

Labcorp Genetics (formerly Invitae), Labcorp
Classification: Uncertain significance for Neuroblastoma, susceptibility to, 3. Last evaluated: 2022-08-06. Review status: criteria provided, single submitter. Criteria: Invitae Variant Classification Sherloc (09022015). Collection method: clinical testing. Allele origin: germline.
Comment: In summary, the available evidence is currently insufficient to determine the role of this variant in disease. Therefore, it has been classified as a Variant of Uncertain Significance. Algorithms developed to predict the effect of missense changes on protein structure and function are either unavailable or do not agree on the potential impact of this missense change (SIFT: "Deleterious"; PolyPhen-2: "Benign"; Align-GVGD: "Class C0"). This variant has not been reported in the literature in individuals affected with ALK-related conditions. This variant is not present in population databases (gnomAD no frequency). This sequence change replaces glutamic acid, which is acidic and polar, with aspartic acid, which is acidic and polar, at codon 1408 of the ALK protein (p.Glu1408Asp).

NM_004304.5(ALK):c.4224A>C (p.Glu1408Asp)

Gene: ALK (ALK receptor tyrosine kinase; minus strand). Cytogenetic location: 2p23.2.
Variant type: single nucleotide variant.
Coding change: c.4224A>C on transcript NM_004304.5 (MANE Select); coding-DNA position 4224, A replaced by C.
Protein change: p.Glu1408Asp; replaces glutamic acid 1408 with aspartic acid.
Molecular consequence: missense variant.
Genome position (GRCh38, 1-based): chr2:29,193,863, T>G on the plus strand (A>C on the coding strand, the complement: ALK is on the minus strand). VCF-style: chr2-29193863-T-G. GRCh37 (hg19) VCF-style: chr2-29416729-T-G.
Other names: c.1020A>C, p.Glu340Asp (NM_001353765.2); short protein forms E1408D, E340D.
Identifiers: ClinVar variation 1715428 (VCV001715428.5), dbSNP rs2148139002, ClinGen allele CA346463217.